The following is an entry in ClinVar:

NM_001128840.3(CACNA1D):c.670G>A (p.Gly224Arg)

Gene: CACNA1D (calcium voltage-gated channel subunit alpha1 D; plus strand). Cytogenetic location: 3p21.1.
Variant type: single nucleotide variant.
Coding change: c.670G>A on transcript NM_001128840.3 (MANE Select); coding-DNA position 670, G replaced by A.
Protein change: p.Gly224Arg; replaces glycine 224 with arginine.
Molecular consequence: missense variant.
Genome position (GRCh38, 1-based): chr3:53,660,179, G>A. VCF-style: chr3-53660179-G-A. GRCh37 (hg19) VCF-style: chr3-53694206-G-A.
Other names: c.670G>A (NM_000720.3); c.670G>A, p.Gly224Arg (NM_000720.4, NM_001128839.3); short protein forms G224R.
Identifiers: ClinVar variation 1192819 (VCV001192819.8), dbSNP rs1208257269, ClinGen allele CA353382462.

ClinVar aggregate classification (germline): Uncertain significance. Review status: criteria provided, multiple submitters, no conflicts (2 of 4 stars). 3 submissions from 3 submitters: Uncertain significance (3). Last evaluated 2025-08-04.

Conditions:
CACNA1D-related disorder.

Allele frequency attached by ClinVar (database versions not stated): gnomAD 0.00001; gnomAD exomes 0.00001 and 0.00003; TOPMed 0.00001.
gnomAD v4.1: 42 of 1,613,802 alleles (0.0026%); highest among the groups gnomAD compares: Middle Eastern, 0.016%; no homozygotes.

Submissions (3):

PreventionGenetics, part of Exact Sciences
Classification: Uncertain significance for CACNA1D-related condition. Last evaluated: 2025-08-04. Review status: criteria provided, single submitter. Criteria: ACMG Guidelines, 2015. Collection method: clinical testing. Allele origin: germline.
Comment: The CACNA1D c.670G>A variant is predicted to result in the amino acid substitution p.Gly224Arg. To our knowledge, this variant has not been reported in the literature. This variant is reported in 0.0029% of alleles in individuals of Latino descent in gnomAD. At this time, the clinical significance of this variant is uncertain due to the absence of conclusive functional and genetic evidence.

Labcorp Genetics (formerly Invitae), Labcorp
Classification: Uncertain significance. Last evaluated: 2025-07-09. Review status: criteria provided, single submitter. Criteria: Invitae Variant Classification Sherloc (09022015). Collection method: clinical testing. Allele origin: germline.
Comment: This sequence change replaces glycine, which is neutral and non-polar, with arginine, which is basic and polar, at codon 224 of the CACNA1D protein (p.Gly224Arg). This variant is present in population databases (no rsID available, gnomAD 0.003%). This variant has not been reported in the literature in individuals affected with CACNA1D-related conditions. ClinVar contains an entry for this variant (Variation ID: 1192819). An algorithm developed to predict the effect of missense changes on protein structure and function (PolyPhen-2) suggests that this variant is likely to be disruptive. In summary, the available evidence is currently insufficient to determine the role of this variant in disease. Therefore, it has been classified as a Variant of Uncertain Significance.

GeneDx
Classification: Uncertain significance. Last evaluated: 2021-06-28. Review status: criteria provided, single submitter. Criteria: GeneDx Variant Classification Process June 2021. Collection method: clinical testing. Allele origin: germline. Affected: yes.
Comment: In silico analysis supports that this missense variant has a deleterious effect on protein structure/function; Has not been previously published as pathogenic or benign to our knowledge; This variant is associated with the following publications: (PMID: 27535533)